The following is an entry in ClinVar:

NM_001164508.2(NEB):c.6622C>T (p.Pro2208Ser)

Gene: NEB (nebulin; minus strand). Cytogenetic location: 2q23.3.
Variant type: single nucleotide variant.
Coding change: c.6622C>T on transcript NM_001164508.2 (MANE Select); coding-DNA position 6622, C replaced by T.
Protein change: p.Pro2208Ser; replaces proline 2208 with serine.
Molecular consequence: missense variant.
Genome position (GRCh38, 1-based): chr2:151,655,897, G>A on the plus strand (C>T on the coding strand, the complement: NEB is on the minus strand). VCF-style: chr2-151655897-G-A. GRCh37 (hg19) VCF-style: chr2-152512411-G-A.
Other names: c.6622C>T, p.Pro2208Ser (NM_001164507.2, NM_001271208.2, NM_004543.5); short protein forms P2208S.
Identifiers: ClinVar variation 1375714 (VCV001375714.7), dbSNP rs1369530664, ClinGen allele CA348797125.

ClinVar aggregate classification (germline): Uncertain significance. Review status: criteria provided, multiple submitters, no conflicts (2 of 4 stars). 2 submissions from 2 submitters: Uncertain significance (2). Last evaluated 2025-10-02.

Conditions:
Nemaline myopathy 2 (NEM2). Also called: Nemaline myopathy 2, autosomal recessive. Identifiers: MedGen C1850569, MONDO:0009725, OMIM 256030.

Allele frequency attached by ClinVar (database versions not stated): gnomAD exomes below 0.00001; TOPMed below 0.00001; gnomAD 0.00001.

Submissions (2):

Labcorp Genetics (formerly Invitae), Labcorp
Classification: Uncertain significance for Nemaline myopathy 2. Last evaluated: 2025-10-02. Review status: criteria provided, single submitter. Criteria: Invitae Variant Classification Sherloc (09022015). Collection method: clinical testing. Allele origin: germline.
Comment: This sequence change replaces proline, which is neutral and non-polar, with serine, which is neutral and polar, at codon 2208 of the NEB protein (p.Pro2208Ser). This variant is not present in population databases (gnomAD no frequency). This variant has not been reported in the literature in individuals affected with NEB-related conditions. ClinVar contains an entry for this variant (Variation ID: 1375714). Experimental studies and prediction algorithms are not available or were not evaluated, and the functional significance of this variant is currently unknown. In summary, the available evidence is currently insufficient to determine the role of this variant in disease. Therefore, it has been classified as a Variant of Uncertain Significance.

GeneDx
Classification: Uncertain significance. Last evaluated: 2022-05-16. Review status: criteria provided, single submitter. Criteria: GeneDx Variant Classification Process June 2021. Collection method: clinical testing. Allele origin: germline. Affected: yes.
Comment: Not observed at significant frequency in large population cohorts (gnomAD); In silico analysis supports that this missense variant has a deleterious effect on protein structure/function; Has not been previously published as pathogenic or benign to our knowledge